The following is an entry in ClinVar:

NM_032043.3(BRIP1):c.1997A>G (p.Asn666Ser)

Gene: BRIP1 (BRCA1 interacting DNA helicase 1; minus strand). Cytogenetic location: 17q23.2.
Variant type: single nucleotide variant.
Coding change: c.1997A>G on transcript NM_032043.3 (MANE Select); coding-DNA position 1997, A replaced by G.
Protein change: p.Asn666Ser; replaces asparagine 666 with serine.
Molecular consequence: missense variant.
Genome position (GRCh38, 1-based): chr17:61,776,501, T>C on the plus strand (A>G on the coding strand, the complement: BRIP1 is on the minus strand). VCF-style: chr17-61776501-T-C. GRCh37 (hg19) VCF-style: chr17-59853862-T-C.
Other names: short protein forms N666S.
Identifiers: ClinVar variation 3228103 (VCV003228103.2), dbSNP rs2145031335, ClinGen allele CA400478408.

ClinVar aggregate classification (germline): Uncertain significance. Review status: criteria provided, multiple submitters, no conflicts (2 of 4 stars). 2 submissions from 2 submitters: Uncertain significance (2). Last evaluated 2024-03-09.

Conditions:
Hereditary cancer-predisposing syndrome. Also called: Neoplastic Syndromes, Hereditary; Tumor predisposition; Hereditary neoplastic syndrome; Hereditary Cancer Syndrome. Identifiers: Orphanet 140162, MedGen C0027672, MeSH D009386, MONDO:0015356.

Submissions (2):

Ambry Genetics
Classification: Uncertain significance for Hereditary cancer-predisposing syndrome. Last evaluated: 2024-03-09. Review status: criteria provided, single submitter. Criteria: Ambry Variant Classification Scheme 2023. Collection method: clinical testing. Allele origin: germline.
Comment: The p.N666S variant (also known as c.1997A>G), located in coding exon 13 of the BRIP1 gene, results from an A to G substitution at nucleotide position 1997. The asparagine at codon 666 is replaced by serine, an amino acid with highly similar properties. This amino acid position is conserved. In addition, this alteration is predicted to be tolerated by in silico analysis. Based on the available evidence, the clinical significance of this alteration remains unclear.

Quest Diagnostics Nichols Institute San Juan Capistrano
Classification: Uncertain significance. Last evaluated: 2024-02-13. Review status: criteria provided, single submitter. Criteria: Quest Diagnostics criteria. Collection method: clinical testing. Allele origin: unknown.
Comment: The BRIP1 c.1997A>G (p.Asn666Ser) variant has been reported in the published literature in a reportedly healthy individual (PMID: 33471991 (2021), see also LOVD). This variant has not been reported in large, multi-ethnic general populations (Genome Aggregation Database). Analysis of this variant using bioinformatics tools for the prediction of the effect of amino acid changes on protein structure and function yielded predictions that this variant is benign. Based on the available information, we are unable to determine the clinical significance of this variant.

Literature cited by the submitters: PubMed 33471991 (cited by Quest Diagnostics Nichols Institute San Juan Capistrano).